The following is an entry in ClinVar:

NM_000256.3(MYBPC3):c.373G>T (p.Ala125Ser)

Gene: MYBPC3 (myosin binding protein C3; minus strand). Cytogenetic location: 11p11.2.
Variant type: single nucleotide variant.
Coding change: c.373G>T on transcript NM_000256.3 (MANE Select); coding-DNA position 373, G replaced by T.
Protein change: p.Ala125Ser; replaces alanine 125 with serine.
Molecular consequence: missense variant.
Genome position (GRCh38, 1-based): chr11:47,350,535, C>A on the plus strand (G>T on the coding strand, the complement: MYBPC3 is on the minus strand). VCF-style: chr11-47350535-C-A. GRCh37 (hg19) VCF-style: chr11-47372086-C-A.
Other names: short protein forms A125S.
Identifiers: ClinVar variation 42738 (VCV000042738.19), dbSNP rs370958401, ClinGen allele CA014715.

ClinVar aggregate classification (germline): Conflicting classifications of pathogenicity. Review status: criteria provided, conflicting classifications (1 of 4 stars). 6 submissions from 6 submitters: Uncertain significance (5); Likely benign (1). Last evaluated 2025-12-31.

Conditions:
Cardiomyopathy (CMYO). Also called: Cardiomyopathies. Identifiers: Orphanet 167848, MedGen C0878544, MONDO:0004994, HP:0001638. Inheritance: Various modes of inheritance.
Hypertrophic cardiomyopathy. Also called: HYPERTROPHIC MYOCARDIOPATHY. Identifiers: Orphanet 217569, MedGen C0007194, MeSH D002312, MONDO:0005045, HP:0001639.

Allele frequency attached by ClinVar (database versions not stated): gnomAD 0.00003; ESP Exome Variant Server 0.00008.
gnomAD v4.1: 5 of 1,555,954 alleles (0.00032%); highest among the groups gnomAD compares: Non-Finnish European, 0.00043%; no homozygotes.

Submissions (6):

Labcorp Genetics (formerly Invitae), Labcorp
Classification: Uncertain significance for Hypertrophic cardiomyopathy. Last evaluated: 2025-12-31. Review status: criteria provided, single submitter. Criteria: Invitae Variant Classification Sherloc (09022015). Collection method: clinical testing. Allele origin: germline.
Comment: This sequence change replaces alanine, which is neutral and non-polar, with serine, which is neutral and polar, at codon 125 of the MYBPC3 protein (p.Ala125Ser). This variant is present in population databases (rs370958401, gnomAD 0.007%). This missense change has been observed in individual(s) with hypertrophic cardiomyopathy (PMID: 27532257, 37652022). ClinVar contains an entry for this variant (Variation ID: 42738). An algorithm developed to predict the effect of missense changes on protein structure and function outputs the following: PolyPhen-2: "Benign". The serine amino acid residue is found in multiple mammalian species, which suggests that this missense change does not adversely affect protein function. In summary, the available evidence is currently insufficient to determine the role of this variant in disease. Therefore, it has been classified as a Variant of Uncertain Significance.

Color Diagnostics, LLC DBA Color Health
Classification: Uncertain significance for Cardiomyopathy. Last evaluated: 2025-06-04. Review status: criteria provided, single submitter. Criteria: ACMG Guidelines, 2015. Collection method: clinical testing. Allele origin: germline.
Comment: This missense variant replaces alanine with serine at codon 125 of the MYBPC3 protein. Computational prediction suggests that this variant may not impact protein structure and function. To our knowledge, functional studies have not been reported for this variant. This variant has been reported in two individuals affected with hypertrophic cardiomyopathy (PMID: 25611685, 27532257, 32841044). This variant has been identified in 1/31364 chromosomes in the general population by the Genome Aggregation Database (gnomAD). The available evidence is insufficient to determine the role of this variant in disease conclusively. Therefore, this variant is classified as a Variant of Uncertain Significance.

Molecular Diagnostic Laboratory for Inherited Cardiovascular Disease, Montreal Heart Institute
Classification: Likely benign. Last evaluated: 2025-04-08. Review status: criteria provided, single submitter. Criteria: ACMG Guidelines, 2015. Collection method: clinical testing. Allele origin: germline. Affected: no.
Comment: PM2, BP2, BP4

CHEO Genetics Diagnostic Laboratory, Children's Hospital of Eastern Ontario
Classification: Uncertain significance for Cardiomyopathy. Last evaluated: 2022-10-05. Review status: criteria provided, single submitter. Criteria: ACMG Guidelines, 2015. Collection method: clinical testing. Allele origin: germline.

GeneDx
Classification: Uncertain significance. Last evaluated: 2021-03-04. Review status: criteria provided, single submitter. Criteria: GeneDx Variant Classification Process June 2021. Collection method: clinical testing. Allele origin: germline. Affected: yes.
Comment: Reported in patients referred for hypertrophic cardiomyopathy (Walsh et al., 2017); Reported in ClinVar as a variant of uncertain significance (ClinVar Variant ID# 42738; Landrum et al., 2016); Not observed at a significant frequency in large population cohorts (Lek et al., 2016); In silico analysis, which includes protein predictors and evolutionary conservation, supports that this variant does not alter protein structure/function; This variant is associated with the following publications: (PMID: 27532257)

Laboratory for Molecular Medicine, Mass General Brigham Personalized Medicine
Classification: Uncertain significance. Last evaluated: 2015-08-13. Review status: criteria provided, single submitter. Criteria: LMM Criteria. Collection method: clinical testing. Allele origin: germline. Observed: 2 variant alleles.
Comment: Variant classified as Uncertain Significance - Favor Benign. Alanine (A la) at position 125 is not conserved in evolution and the change to serine (Ser) was predicted to be benign using a computational tool clinically validated by o ur laboratory. This tool's benign prediction is estimated to be correct 89% of t he time (Jordan 2011). In summary, while the clinical significance of the p.Ala1 25Ser variant is uncertain, these data suggest that it is more likely to be beni gn.

Literature cited by the submitters: PubMed 27532257 (cited by Labcorp Genetics (formerly Invitae), Labcorp and Color Diagnostics, LLC DBA Color Health); PubMed 37652022 (cited by Labcorp Genetics (formerly Invitae), Labcorp); PubMed 25611685 (cited by Color Diagnostics, LLC DBA Color Health); PubMed 32841044 (cited by Color Diagnostics, LLC DBA Color Health).